The following is an entry in ClinVar:

NM_004415.4(DSP):c.1045-8T>A

Gene: DSP (desmoplakin; plus strand). Cytogenetic location: 6p24.3.
Variant type: single nucleotide variant.
Coding change: c.1045-8T>A on transcript NM_004415.4 (MANE Select); 8 bases into the intron before coding-DNA position 1045, T replaced by A.
Molecular consequence: intron variant.
Genome position (GRCh38, 1-based): chr6:7,567,346, T>A. VCF-style: chr6-7567346-T-A. GRCh37 (hg19) VCF-style: chr6-7567579-T-A.
Other names: c.1045-8T>A (NM_001319034.2, NM_001008844.3).
Identifiers: ClinVar variation 517257 (VCV000517257.4), dbSNP rs201633815, ClinGen allele CA658796706.

ClinVar aggregate classification (germline): Uncertain significance (1 of 4 stars; one submission).

gnomAD v4.1: 1 of 1,613,038 alleles (0.000062%); highest among the groups gnomAD compares: Non-Finnish European, 0.000085%; no homozygotes.

Submission:

Laboratory for Molecular Medicine, Mass General Brigham Personalized Medicine
Classification: Uncertain significance. Last evaluated: 2017-01-31. Review status: criteria provided, single submitter. Criteria: LMM Criteria. Collection method: clinical testing. Allele origin: germline. Observed: 1 variant allele.
Comment: The c.1045-8T>A variant in DSP has not been previously reported in individuals w ith cardiomyopathy and was absent from large population studies. This variant is located in the 3' splice region. Computational tools suggest a possible impact to splicing; however, this information is not predictive enough to determine pat hogenicity. In summary, the clinical significance of the c.1045-8T>A variant is uncertain.